The following is an entry in ClinVar:

ClinVar aggregate classification (germline): Uncertain significance. Review status: criteria provided, multiple submitters, no conflicts (2 of 4 stars). 2 submissions from 2 submitters: Uncertain significance (2). Last evaluated 2025-01-13.

Submissions (2):

GeneDx
Classification: Uncertain significance. Last evaluated: 2025-01-13. Review status: criteria provided, single submitter. Criteria: GeneDx Variant Classification Process June 2021. Collection method: clinical testing. Allele origin: germline. Affected: yes.
Comment: Not observed at significant frequency in large population cohorts (gnomAD); In silico analysis supports that this missense variant has a deleterious effect on protein structure/function; Has not been previously published as pathogenic or benign to our knowledge

Labcorp Genetics (formerly Invitae), Labcorp
Classification: Uncertain significance. Last evaluated: 2024-09-12. Review status: criteria provided, single submitter. Criteria: Invitae Variant Classification Sherloc (09022015). Collection method: clinical testing. Allele origin: germline.
Comment: This sequence change replaces proline, which is neutral and non-polar, with leucine, which is neutral and non-polar, at codon 392 of the CDH2 protein (p.Pro392Leu). This variant is not present in population databases (gnomAD no frequency). This variant has not been reported in the literature in individuals affected with CDH2-related conditions. An algorithm developed to predict the effect of missense changes on protein structure and function (PolyPhen-2) suggests that this variant is likely to be disruptive. In summary, the available evidence is currently insufficient to determine the role of this variant in disease. Therefore, it has been classified as a Variant of Uncertain Significance.

NM_001792.5(CDH2):c.1175C>T (p.Pro392Leu)

Gene: CDH2 (cadherin 2; minus strand). Cytogenetic location: 18q12.1.
Variant type: single nucleotide variant.
Coding change: c.1175C>T on transcript NM_001792.5 (MANE Select); coding-DNA position 1175, C replaced by T.
Protein change: p.Pro392Leu; replaces proline 392 with leucine.
Molecular consequence: missense variant.
Genome position (GRCh38, 1-based): chr18:27,992,824, G>A on the plus strand (C>T on the coding strand, the complement: CDH2 is on the minus strand). VCF-style: chr18-27992824-G-A. GRCh37 (hg19) VCF-style: chr18-25572788-G-A.
Other names: c.1175C>T (NM_001792.4); c.1082C>T, p.Pro361Leu (NM_001308176.2); short protein forms P361L, P392L.
Identifiers: ClinVar variation 3697013 (VCV003697013.3).
Genomic context (GRCh38, chr18:27,992,824, plus strand): 5'-TGGGGTTGATCCTTATCGGTCACAGTTAGATTAGCTACTATGATGTCTACCCTGTTCTCA[G>A]GAACTTCACCATAAAACTGCGAGAAAGACAAACCTCAGTCAGAGGAGGGGCATGGACCAC-3'
Protein context (NP_001783.2, residues 382-402): FTAMTFYGEV[Pro392Leu]ENRVDIIVAN